The following is an entry in ClinVar:

NM_002334.4(LRP4):c.386G>T (p.Cys129Phe)

Gene: LRP4 (LDL receptor related protein 4; minus strand). Cytogenetic location: 11p11.2.
Variant type: single nucleotide variant.
Coding change: c.386G>T on transcript NM_002334.4 (MANE Select); coding-DNA position 386, G replaced by T.
Protein change: p.Cys129Phe; replaces cysteine 129 with phenylalanine.
Molecular consequence: missense variant.
Genome position (GRCh38, 1-based): chr11:46,899,907, C>A on the plus strand (G>T on the coding strand, the complement: LRP4 is on the minus strand). VCF-style: chr11-46899907-C-A. GRCh37 (hg19) VCF-style: chr11-46921458-C-A.
Other names: short protein forms C129F.
Identifiers: ClinVar variation 3364147 (VCV003364147.2).

ClinVar aggregate classification (germline): Uncertain significance (1 of 4 stars; one submission).

Submission:

GeneDx
Classification: Uncertain significance. Last evaluated: 2025-02-13. Review status: criteria provided, single submitter. Criteria: GeneDx Variant Classification Process June 2021. Collection method: clinical testing. Allele origin: germline.
Comment: Not observed at significant frequency in large population cohorts (gnomAD); In silico analysis supports that this missense variant has a deleterious effect on protein structure/function; Has not been previously published as pathogenic or benign to our knowledge